The following is an entry in ClinVar:

ClinVar aggregate classification (germline): Benign/Likely benign. Review status: criteria provided, multiple submitters, no conflicts (2 of 4 stars). 5 submissions from 5 submitters: Benign (1); Likely benign (3). 1 of the submissions does not count toward it. Last evaluated 2026-02-01.

Conditions:
ZNF469-related disorder. Also called: ZNF469-related condition.
Cardiovascular phenotype. Identifiers: MedGen CN230736.

Allele frequency attached by ClinVar (database versions not stated): gnomAD exomes 0.00024; ExAC 0.00031; ESP Exome Variant Server 0.00066; 1000 Genomes Project 30x 0.00094; 1000 Genomes Project 0.00120.
gnomAD v4.1: 218 of 1,550,418 alleles (0.014%); highest among the groups gnomAD compares: African/African-American, 0.23%; no homozygotes.

Submissions (5):

Labcorp Genetics (formerly Invitae), Labcorp
Classification: Likely benign. Last evaluated: 2026-02-01. Review status: criteria provided, single submitter. Criteria: Invitae Variant Classification Sherloc (09022015). Collection method: clinical testing. Allele origin: germline.

Blueprint Genetics
Classification: Likely benign. Last evaluated: 2023-07-20. Review status: criteria provided, single submitter. Criteria: ACMG Guidelines, 2015. Collection method: clinical testing. Allele origin: germline.

GeneDx
Classification: Likely benign. Last evaluated: 2021-01-05. Review status: criteria provided, single submitter. Criteria: GeneDx Variant Classification Process June 2021. Collection method: clinical testing. Allele origin: germline. Affected: yes.

Ambry Genetics
Classification: Benign for Cardiovascular phenotype. Last evaluated: 2020-12-16. Review status: criteria provided, single submitter. Criteria: Ambry Variant Classification Scheme 2023. Collection method: clinical testing. Allele origin: germline.

PreventionGenetics, part of Exact Sciences
Classification: Likely benign for ZNF469-related condition. Last evaluated: 2024-03-04. Review status: no assertion criteria provided. Collection method: clinical testing. Allele origin: germline. Not counted in ClinVar's aggregate classification.
Comment: This variant is classified as likely benign based on ACMG/AMP sequence variant interpretation guidelines (Richards et al. 2015 PMID: 25741868, with internal and published modifications).

NM_001367624.2(ZNF469):c.5229C>A (p.Pro1743=)

Gene: ZNF469 (zinc finger protein 469; plus strand). Cytogenetic location: 16q24.2.
Variant type: single nucleotide variant.
Coding change: c.5229C>A on transcript NM_001367624.2 (MANE Select); coding-DNA position 5229, C replaced by A.
Protein change: p.Pro1743=; no amino-acid change (proline 1743 retained).
Molecular consequence: synonymous variant.
Genome position (GRCh38, 1-based): chr16:88,432,699, C>A. VCF-style: chr16-88432699-C-A. GRCh37 (hg19) VCF-style: chr16-88499107-C-A.
Other names: NM_001127464.1:c.5145C>A; NM_001127464.2:c.5145C>A.
Identifiers: ClinVar variation 1201868 (VCV001201868.13), dbSNP rs192819567, ClinGen allele CA8225053.